The following is an entry in ClinVar:

GRCh38/hg38 14q21.2(chr14:45352239-45510467)x1

Variant type: copy number loss.
Change: copy number 1 (one copy instead of two) of chr14:45,352,239-45,510,467 (158.2 kb, GRCh38 coordinates, 1-based), cytogenetic band 14q21.2.
Identifiers: ClinVar variation 145026 (VCV000145026.1).

ClinVar aggregate classification (germline): Benign/Likely benign (0 of 4 stars; one submission).

Submission:

GeneDx
Classification: Benign/Likely benign. Last evaluated: 2011-04-30. Review status: no assertion criteria provided. Collection method: clinical testing. Allele origin: not provided. Affected: yes. Observed: 3 variant alleles. Clinical features observed: Developmental delay AND/OR other significant developmental or morphological phenotypes.
Comment: Likely benign (1), Benign (2)